The following is an entry in ClinVar:

ClinVar aggregate classification (germline): Uncertain significance (1 of 4 stars; one submission).

Conditions:
Cardiovascular phenotype. Identifiers: MedGen CN230736.

Submission:

Ambry Genetics
Classification: Uncertain significance for Cardiovascular phenotype. Last evaluated: 2025-07-28. Review status: criteria provided, single submitter. Criteria: Ambry Variant Classification Scheme 2023. Collection method: clinical testing. Allele origin: germline.
Comment: The p.E629D variant (also known as c.1887G>C), located in coding exon 11 of the CBL gene, results from a G to C substitution at nucleotide position 1887. The glutamic acid at codon 629 is replaced by aspartic acid, an amino acid with highly similar properties. This amino acid position is conserved. In addition, this alteration is predicted to be tolerated by in silico analysis. Based on the available evidence, the clinical significance of this variant remains unclear.

NM_005188.4(CBL):c.1887G>C (p.Glu629Asp)

Gene: CBL (Cbl proto-oncogene; plus strand). Cytogenetic location: 11q23.3.
Variant type: single nucleotide variant.
Coding change: c.1887G>C on transcript NM_005188.4 (MANE Select); coding-DNA position 1887, G replaced by C.
Protein change: p.Glu629Asp; replaces glutamic acid 629 with aspartic acid.
Molecular consequence: missense variant.
Genome position (GRCh38, 1-based): chr11:119,285,512, G>C. VCF-style: chr11-119285512-G-C. GRCh37 (hg19) VCF-style: chr11-119156222-G-C.
Other names: short protein forms E629D.
Identifiers: ClinVar variation 4219878 (VCV004219878.1).